The following is an entry in ClinVar:

NM_015215.4(CAMTA1):c.4687C>T (p.Gln1563Ter)

Gene: CAMTA1 (calmodulin binding transcription activator 1; plus strand). Cytogenetic location: 1p36.23.
Variant type: single nucleotide variant.
Coding change: c.4687C>T on transcript NM_015215.4 (MANE Select); coding-DNA position 4687, C replaced by T.
Protein change: p.Gln1563Ter; replaces glutamine 1563 with a stop codon.
Molecular consequence: nonsense.
Genome position (GRCh38, 1-based): chr1:7,747,779, C>T. VCF-style: chr1-7747779-C-T. GRCh37 (hg19) VCF-style: chr1-7807839-C-T.
Other names: c.4597C>T, p.Gln1533Ter (NM_001349608.2); c.4348C>T, p.Gln1450Ter (NM_001349609.2, NM_001349610.2); c.4258C>T, p.Gln1420Ter (NM_001349612.2); c.1816C>T, p.Gln606Ter (NM_001349613.1); c.1759C>T, p.Gln587Ter (NM_001349614.1, NM_001349615.2, NM_001349616.2 and 2 more transcripts); c.1420C>T, p.Gln474Ter (NM_001349619.2, NM_001349620.1, NM_001349621.1 and 5 more transcripts); short protein forms Q1420*, Q1450*, Q1533*, Q1563*, Q474*, Q587*, Q606*.
Identifiers: ClinVar variation 1331517 (VCV001331517.4), dbSNP rs2150125399, ClinGen allele CA338142794.

ClinVar aggregate classification (germline): Likely pathogenic (1 of 4 stars; one submission).

Submission:

Greenwood Genetic Center Diagnostic Laboratories, Greenwood Genetic Center
Classification: Likely pathogenic. Last evaluated: 2020-11-16. Review status: criteria provided, single submitter. Criteria: ACMG Guidelines, 2015. Collection method: clinical testing. Allele origin: germline. Affected: yes.
Comment: PVS1, PM2